The following is an entry in ClinVar:

ClinVar aggregate classification (germline): Uncertain significance. Review status: criteria provided, multiple submitters, no conflicts (2 of 4 stars). 4 submissions from 4 submitters: Uncertain significance (4). Last evaluated 2025-12-08.

Conditions:
Inborn genetic diseases. Identifiers: MedGen C0950123, MeSH D030342.
Generalized epilepsy with febrile seizures plus, type 7 (GEFSP7). Also called: GEFS+, TYPE 7. Identifiers: Orphanet 36387, MedGen C2751778, MONDO:0013470, OMIM 613863.
Neuropathy, hereditary sensory and autonomic, type 2A (HSAN2A). Also called: WNK1-Related HSAN2 (HSAN2A); ACROOSTEOLYSIS, GIACCAI TYPE; ACROOSTEOLYSIS, NEUROGENIC; MORVAN DISEASE; NEUROPATHY, CONGENITAL SENSORY; NEUROPATHY, HEREDITARY SENSORY RADICULAR, AUTOSOMAL RECESSIVE. Identifiers: Orphanet 970, MedGen C2752089, MONDO:0024309, OMIM 201300.

Allele frequency attached by ClinVar (database versions not stated): TOPMed 0.00001; ExAC 0.00002; gnomAD 0.00002; gnomAD exomes 0.00002 and 0.00003.
gnomAD v4.1: 49 of 1,592,374 alleles (0.0031%); highest among the groups gnomAD compares: Middle Eastern, 0.22%; no homozygotes.

Submissions (4):

Labcorp Genetics (formerly Invitae), Labcorp
Classification: Uncertain significance for Neuropathy, hereditary sensory and autonomic, type 2A; Generalized epilepsy with febrile seizures plus, type 7. Last evaluated: 2025-12-08. Review status: criteria provided, single submitter. Criteria: Invitae Variant Classification Sherloc (09022015). Collection method: clinical testing. Allele origin: germline.
Comment: This sequence change replaces leucine, which is neutral and non-polar, with phenylalanine, which is neutral and non-polar, at codon 711 of the SCN9A protein (p.Leu711Phe). This variant is present in population databases (rs772492538, gnomAD 0.02%). This variant has not been reported in the literature in individuals affected with SCN9A-related conditions. ClinVar contains an entry for this variant (Variation ID: 575125). Invitae Evidence Modeling of protein sequence and biophysical properties (such as structural, functional, and spatial information, amino acid conservation, physicochemical variation, residue mobility, and thermodynamic stability) indicates that this missense variant is not expected to disrupt SCN9A protein function with a negative predictive value of 95%. In summary, the available evidence is currently insufficient to determine the role of this variant in disease. Therefore, it has been classified as a Variant of Uncertain Significance.

GeneDx
Classification: Uncertain significance. Last evaluated: 2023-09-19. Review status: criteria provided, single submitter. Criteria: GeneDx Variant Classification Process June 2021. Collection method: clinical testing. Allele origin: germline. Affected: yes.
Comment: Observed in patients with epilepsy; however, further clinical information was not provided (Hussein et al., 2023); In silico analysis supports that this missense variant has a deleterious effect on protein structure/function; This variant is associated with the following publications: (PMID: Hussein2023[medRxiv])

Ambry Genetics
Classification: Uncertain significance for Inborn genetic diseases. Last evaluated: 2022-09-22. Review status: criteria provided, single submitter. Criteria: Ambry Variant Classification Scheme 2023. Collection method: clinical testing. Allele origin: germline.
Comment: The p.L711F variant (also known as c.2133G>C), located in coding exon 13 of the SCN9A gene, results from a G to C substitution at nucleotide position 2133. The leucine at codon 711 is replaced by phenylalanine, an amino acid with highly similar properties. This amino acid position is conserved. In addition, this alteration is predicted to be deleterious by in silico analysis. Since supporting evidence is limited at this time, the clinical significance of this alteration remains unclear.

CeGaT Center for Human Genetics Tuebingen
Classification: Uncertain significance. Last evaluated: 2020-11-01. Review status: criteria provided, single submitter. Criteria: CeGaT Center For Human Genetics Tuebingen Variant Classification Criteria Version 2. Collection method: clinical testing. Allele origin: germline. Affected: yes. Observed: 1 variant allele.

NM_001365536.1(SCN9A):c.2166G>C (p.Leu722Phe)

Genes: SCN1A-AS1 (SCN1A and SCN9A antisense RNA 1; plus strand), SCN9A (sodium voltage-gated channel alpha subunit 9; minus strand). Cytogenetic location: 2q24.3.
Variant type: single nucleotide variant.
Coding change: c.2166G>C on transcript NM_001365536.1 (MANE Select); coding-DNA position 2166, G replaced by C.
Protein change: p.Leu722Phe; replaces leucine 722 with phenylalanine.
Molecular consequence: missense variant.
Genome position (GRCh38, 1-based): chr2:166,280,534, C>G on the plus strand (G>C on the coding strand, the complement: SCN9A is on the minus strand). VCF-style: chr2-166280534-C-G. GRCh37 (hg19) VCF-style: chr2-167137044-C-G.
Other names: c.2133G>C, p.Leu711Phe (NM_002977.4); short protein forms L711F, L722F.
Identifiers: ClinVar variation 575125 (VCV000575125.52), dbSNP rs772492538, ClinGen allele CA1944316.